The following is an entry in ClinVar:

ClinVar aggregate classification (germline): Uncertain significance. Review status: criteria provided, multiple submitters, no conflicts (2 of 4 stars). 4 submissions from 4 submitters: Uncertain significance (4). Last evaluated 2026-01-16.

Conditions:
Hereditary cancer-predisposing syndrome. Also called: Tumor predisposition; Hereditary Cancer Syndrome; Neoplastic Syndromes, Hereditary; Hereditary neoplastic syndrome. Identifiers: Orphanet 140162, MedGen C0027672, MeSH D009386, MONDO:0015356.
Multiple endocrine neoplasia, type 2 (MEN2). Identifiers: Orphanet 653, MedGen C4048306, MONDO:0019003. Disease mechanism: gain of function.

Allele frequency attached by ClinVar (database versions not stated): TOPMed below 0.00001.
gnomAD v4.1: 2 of 1,614,184 alleles (0.00012%); highest among the groups gnomAD compares: Non-Finnish European, 0.00017%; no homozygotes.

Submissions (4):

Labcorp Genetics (formerly Invitae), Labcorp
Classification: Uncertain significance for Multiple endocrine neoplasia, type 2. Last evaluated: 2026-01-16. Review status: criteria provided, single submitter. Criteria: Invitae Variant Classification Sherloc (09022015). Collection method: clinical testing. Allele origin: germline.
Comment: This sequence change replaces asparagine, which is neutral and polar, with lysine, which is basic and polar, at codon 1098 of the RET protein (p.Asn1098Lys). This variant is not present in population databases (gnomAD no frequency). This variant has not been reported in the literature in individuals affected with RET-related conditions. ClinVar contains an entry for this variant (Variation ID: 823477). An algorithm developed to predict the effect of missense changes on protein structure and function (PolyPhen-2) suggests that this variant is likely to be disruptive. In summary, the available evidence is currently insufficient to determine the role of this variant in disease. Therefore, it has been classified as a Variant of Uncertain Significance.

Ambry Genetics
Classification: Uncertain significance for Hereditary cancer-predisposing syndrome. Last evaluated: 2024-07-15. Review status: criteria provided, single submitter. Criteria: Ambry Variant Classification Scheme 2023. Collection method: clinical testing. Allele origin: germline.
Comment: The p.N1098K variant (also known as c.3294C>A), located in coding exon 20 of the RET gene, results from a C to A substitution at nucleotide position 3294. The asparagine at codon 1098 is replaced by lysine, an amino acid with similar properties. This amino acid position is highly conserved in available vertebrate species. In addition, the in silico prediction for this alteration is inconclusive. Since supporting evidence is limited at this time, the clinical significance of this alteration remains unclear.

GeneDx
Classification: Uncertain significance. Last evaluated: 2023-07-10. Review status: criteria provided, single submitter. Criteria: GeneDx Variant Classification Process June 2021. Collection method: clinical testing. Allele origin: germline. Affected: yes.
Comment: Not observed at significant frequency in large population cohorts (gnomAD); In silico analysis supports that this missense variant does not alter protein structure/function; Has not been previously published as pathogenic or benign to our knowledge; This variant is associated with the following publications: (PMID: 14633923)

All of Us Research Program, National Institutes of Health
Classification: Uncertain significance for Multiple endocrine neoplasia, type 2. Last evaluated: 2023-03-28. Review status: criteria provided, single submitter. Criteria: ACMG Guidelines, 2015. Collection method: clinical testing. Allele origin: germline. Inheritance: Autosomal dominant inheritance. Observed: 1 variant allele, 1 heterozygote.
Comment: This study involves interpretation of variants in research participants for the purpose of population health screening. Participant phenotype was not available at the time of variant classification. Additional details can be found in publication PMID: 35346344, PMCID: PMC8962531

NM_020975.6(RET):c.3294C>A (p.Asn1098Lys)

Gene: RET (ret proto-oncogene; plus strand). Cytogenetic location: 10q11.21.
Variant type: single nucleotide variant.
Coding change: c.3294C>A on transcript NM_020975.6 (MANE Select); coding-DNA position 3294, C replaced by A.
Protein change: p.Asn1098Lys; replaces asparagine 1098 with lysine.
Molecular consequence: missense variant.
Genome position (GRCh38, 1-based): chr10:43,128,218, C>A. VCF-style: chr10-43128218-C-A. GRCh37 (hg19) VCF-style: chr10-43623666-C-A.
Other names: short protein forms N1098K.
Identifiers: ClinVar variation 823477 (VCV000823477.13), dbSNP rs1298393691, ClinGen allele CA376559175.